The following is an entry in ClinVar:

ClinVar aggregate classification (germline): Pathogenic (1 of 4 stars; one submission).

Conditions:
Rubinstein-Taybi syndrome (RSTS). Identifiers: Orphanet 783, MedGen C0035934, MONDO:0019188.

Submission:

Labcorp Genetics (formerly Invitae), Labcorp
Classification: Pathogenic for Rubinstein-Taybi syndrome. Last evaluated: 2021-04-27. Review status: criteria provided, single submitter. Criteria: Invitae Variant Classification Sherloc (09022015). Collection method: clinical testing. Allele origin: germline.
Comment: For these reasons, this variant has been classified as Pathogenic. This variant disrupts the C-terminus of the CREBBP protein. Other variant(s) that disrupt this region (p.Arg2004*) have been determined to be pathogenic (PMID: 15706485, 21932317, Invitae). This suggests that variants that disrupt this region of the protein are likely to be causative of disease. A similar deletion has been observed in individual(s) with Rubinstein-Taybi syndrome (PMID: 32594341, 32827181). This variant is a gross deletion of the genomic region encompassing exon(s) 29-31 of the CREBBP gene. The 5' boundary is likely confined to intron 28. The 3' end of this event is unknown as it extends through the termination codon beyond the assayed region for this gene and may encompass additional genes. While this deletion is not anticipated to lead to nonsense mediated decay, it is expected to alter mRNA translation or result in a truncated protein product.

Literature cited by the submitters: PubMed 15706485; PubMed 21932317; PubMed 32594341; PubMed 32827181.

NC_000016.9:g.(?_3711968)_(3781958_?)del

Genes: TRAP1 (TNF receptor associated protein 1; minus strand), CREBBP (CREB binding lysine acetyltransferase; minus strand). Cytogenetic location: 16p13.3.
Variant type: Deletion.
Identifiers: ClinVar variation 1457650 (VCV001457650.6).